The following is an entry in ClinVar:

ClinVar aggregate classification (germline): Pathogenic (1 of 4 stars; one submission).

Conditions:
Hereditary cancer-predisposing syndrome. Also called: Neoplastic Syndromes, Hereditary; Tumor predisposition; Hereditary Cancer Syndrome; Hereditary neoplastic syndrome. Identifiers: Orphanet 140162, MedGen C0027672, MeSH D009386, MONDO:0015356.

Submission:

Ambry Genetics
Classification: Pathogenic for Hereditary cancer-predisposing syndrome. Last evaluated: 2019-03-05. Review status: criteria provided, single submitter. Criteria: Ambry Variant Classification Scheme 2023. Collection method: clinical testing. Allele origin: germline.
Comment: The c.2345delG pathogenic mutation, located in coding exon 9 of the BRCA1 gene, results from a deletion of one nucleotide at nucleotide position 2345, causing a translational frameshift with a predicted alternate stop codon (p.S782Ifs*10). As such, this alteration is interpreted as a disease-causing mutation.

NM_007294.4(BRCA1):c.2345del (p.Ser782fs)

Gene: BRCA1 (BRCA1 DNA repair associated; minus strand). Cytogenetic location: 17q21.31.
Variant type: Deletion.
Coding change: c.2345del on transcript NM_007294.4 (MANE Select); coding-DNA position 2345, one base deleted (G; older notation c.2345delG).
Protein change: p.Ser782fs; shifts the reading frame from serine 782.
Molecular consequence: frameshift variant. On other transcripts: intron variant (137).
Genome position (GRCh38, 1-based): chr17:43,093,186, C deleted on the plus strand (G on the coding strand, the reverse complement: BRCA1 is on the minus strand). VCF-style (leftmost placement, unchanged base first): chr17-43093185-AC-A. GRCh37 (hg19) VCF-style: chr17-41245202-AC-A.
Other names: c.2219del, p.Ser740fs (NM_001407688.1, NM_001407689.1, NM_001407690.1 and 11 more transcripts); c.788-1047del (NM_001407969.1, NM_001407968.1); c.577+1558del (NM_001408492.1, NM_001408513.1, NM_001408481.1 and 9 more transcripts); c.646+1558del (NM_001408466.1, NM_001408455.1, NM_001408458.1 and 11 more transcripts); c.523+1558del (NM_001408500.1, NM_001408501.1, NM_001408498.1 and 3 more transcripts); c.643+1558del (NM_001408468.1, NM_001408470.1, NM_001408464.1 and 3 more transcripts); c.520+1558del (NM_001408503.1, NM_001408505.1, NM_001408504.1); c.2204del, p.Ser735fs (NM_001407696.1, NM_001407697.1, NM_001407698.1 and 29 more transcripts); and 41 more; short protein forms S735fs, S782fs, S655fs, S711fs, S712fs, S614fs, S671fs, S694fs.
Identifiers: ClinVar variation 821129 (VCV000821129.6), dbSNP rs1597870583, ClinGen allele CA915950088.